The following is an entry in ClinVar:

ClinVar aggregate classification (germline): Likely benign. Review status: criteria provided, multiple submitters, no conflicts (2 of 4 stars). 2 submissions from 2 submitters: Likely benign (2). Last evaluated 2025-12-01.

gnomAD v4.1: 112 of 1,614,072 alleles (0.0069%); highest among the groups gnomAD compares: East Asian, 0.053%; no homozygotes.

Submissions (2):

CeGaT Center for Human Genetics Tuebingen
Classification: Likely benign. Last evaluated: 2025-12-01. Review status: criteria provided, single submitter. Criteria: CeGaT Center For Human Genetics Tuebingen Variant Classification Criteria Version 2. Collection method: clinical testing. Allele origin: germline. Affected: yes. Observed: 1 variant allele.
Comment: MCM3AP: BP4, BP7

Labcorp Genetics (formerly Invitae), Labcorp
Classification: Likely benign. Last evaluated: 2025-04-23. Review status: criteria provided, single submitter. Criteria: Invitae Variant Classification Sherloc (09022015). Collection method: clinical testing. Allele origin: germline.

NM_003906.5(MCM3AP):c.5823G>A (p.Ala1941=)

Genes: MCM3AP (minichromosome maintenance complex component 3 associated protein; minus strand), MCM3AP-AS1 (MCM3AP antisense RNA 1; plus strand). Cytogenetic location: 21q22.3.
Variant type: single nucleotide variant.
Coding change: c.5823G>A on transcript NM_003906.5 (MANE Select); coding-DNA position 5823, G replaced by A.
Protein change: p.Ala1941=; no amino-acid change (alanine 1941 retained).
Molecular consequence: synonymous variant.
Genome position (GRCh38, 1-based): chr21:46,235,388, C>T on the plus strand (G>A on the coding strand, the complement: MCM3AP is on the minus strand). VCF-style: chr21-46235388-C-T. GRCh37 (hg19) VCF-style: chr21-47655302-C-T.
Identifiers: ClinVar variation 1555119 (VCV001555119.13), dbSNP rs141757607, ClinGen allele CA10075729.
Genomic context (GRCh38, chr21:46,235,388, plus strand): 5'-CCTTGAACTCCGGATCAGCCTTTCCAGGTGCTTTAGTCGTTCGCCTAGACACGTTCCTGT[C>T]GCCTCTGACAGCTGCAGTTGCTCCCTCATCATGTCACTCTATTTGAATAAAAAAGAAACT-3'
Protein context (NP_003897.2, residues 1931-1951): MMREQLQLSE[Ala1941=]TGTCLGERLK